The following is an entry in ClinVar:

ClinVar aggregate classification (germline): Pathogenic. Review status: criteria provided, multiple submitters, no conflicts (2 of 4 stars). 6 submissions from 6 submitters: Pathogenic (4). 2 of the submissions do not count toward it. Last evaluated 2024-11-26.

Conditions:
Amyotrophic lateral sclerosis type 10 (ALS10). Also called: TARDBP-Related Amyotrophic Lateral Sclerosis-Frontotemporal Dementia; AMYOTROPHIC LATERAL SCLEROSIS 10 WITHOUT FRONTOTEMPORAL DEMENTIA AND WITH TDP43 INCLUSIONS; AMYOTROPHIC LATERAL SCLEROSIS 10 WITH OR WITHOUT FRONTOTEMPORAL DEMENTIA AND WITH TDP43 INCLUSIONS; Amyotrophic lateral sclerosis 10, with or without FTD; AMYOTROPHIC LATERAL SCLEROSIS 10 WITH OR WITHOUT FRONTOTEMPORAL DEMENTIA. Identifiers: Orphanet 275872, Orphanet 803, MedGen C2677565, MONDO:0012790, OMIM 612069.
FRONTOTEMPORAL LOBAR DEGENERATION WITH TDP43 INCLUSIONS, TARDBP-RELATED. Also called: Frontotemporal lobar degeneration, TARDBP-related. Identifiers: MedGen C3150169, OMIM 612069.

Allele frequency attached by ClinVar (database versions not stated): gnomAD exomes below 0.00001.
gnomAD v4.1: 1 of 1,613,924 alleles (0.000062%); highest among the groups gnomAD compares: Non-Finnish European, 0.000085%; no homozygotes.

Submissions (6):

Labcorp Genetics (formerly Invitae), Labcorp
Classification: Pathogenic for Amyotrophic lateral sclerosis type 10; FRONTOTEMPORAL LOBAR DEGENERATION WITH TDP43 INCLUSIONS, TARDBP-RELATED. Last evaluated: 2024-11-26. Review status: criteria provided, single submitter. Criteria: Invitae Variant Classification Sherloc (09022015). Collection method: clinical testing. Allele origin: germline.
Comment: This sequence change replaces alanine, which is neutral and non-polar, with threonine, which is neutral and polar, at codon 315 of the TARDBP protein (p.Ala315Thr). This variant is present in population databases (rs80356726, gnomAD 0.0009%). This missense change has been observed in individuals with amyotrophic lateral sclerosis (PMID: 18288693, 20031275, 25681989, 29411640). It has also been observed to segregate with disease in related individuals. ClinVar contains an entry for this variant (Variation ID: 5236). Invitae Evidence Modeling of protein sequence and biophysical properties (such as structural, functional, and spatial information, amino acid conservation, physicochemical variation, residue mobility, and thermodynamic stability) indicates that this missense variant is not expected to disrupt TARDBP protein function with a negative predictive value of 80%. Experimental studies have shown that this missense change affects TARDBP function (PMID: 19833869, 21666678, 23721326, 28334913). For these reasons, this variant has been classified as Pathogenic.

CeGaT Center for Human Genetics Tuebingen
Classification: Pathogenic. Last evaluated: 2024-04-01. Review status: criteria provided, single submitter. Criteria: CeGaT Center For Human Genetics Tuebingen Variant Classification Criteria Version 2. Collection method: clinical testing. Allele origin: germline. Affected: yes. Observed: 1 variant allele.
Comment: TARDBP: PP1:Strong, PM1, PM2, PS3:Moderate, PS4:Moderate

Kariminejad - Najmabadi Pathology & Genetics Center
Classification: Pathogenic for Amyotrophic lateral sclerosis type 10. Last evaluated: 2023-06-06. Review status: criteria provided, single submitter. Criteria: ACMG Guidelines, 2015. Collection method: clinical testing. Allele origin: germline. Inheritance: Autosomal dominant inheritance. Affected: yes.
Comment: [PM1 PM2 PP5]+PP2??

Suna and Inan Kirac Foundation Neurodegeneration Research Laboratory, Koc University
Classification: Pathogenic for Amyotrophic lateral sclerosis type 10. Last evaluated: 2020-03-31. Review status: criteria provided, single submitter. Criteria: ACMG Guidelines, 2015. Collection method: research. Allele origin: germline. Affected: yes. Observed: 5 variant alleles.

OMIM
Classification: Pathogenic for AMYOTROPHIC LATERAL SCLEROSIS 10 WITHOUT FRONTOTEMPORAL DEMENTIA AND WITH TDP43 INCLUSIONS. Last evaluated: 2008-04-01. Review status: no assertion criteria provided. Collection method: literature only. Allele origin: germline. Not counted in ClinVar's aggregate classification.

GeneReviews
No classification provided. Condition: Amyotrophic lateral sclerosis type 10. Review status: no classification provided. Collection method: literature only. Allele origin: germline. Affected: yes. Not counted in ClinVar's aggregate classification.
Comment: Convincing evidence of segregation.

Literature cited by the submitters: PubMed 18288693 (cited by Labcorp Genetics (formerly Invitae), Labcorp and OMIM); PubMed 20031275 (cited by Labcorp Genetics (formerly Invitae), Labcorp); PubMed 25681989 (cited by Labcorp Genetics (formerly Invitae), Labcorp); PubMed 29411640 (cited by Labcorp Genetics (formerly Invitae), Labcorp); PubMed 19833869 (cited by Labcorp Genetics (formerly Invitae), Labcorp); PubMed 21666678 (cited by Labcorp Genetics (formerly Invitae), Labcorp); PubMed 23721326 (cited by Labcorp Genetics (formerly Invitae), Labcorp); PubMed 28334913 (cited by Labcorp Genetics (formerly Invitae), Labcorp); NCBI Bookshelf NBK5942 (cited by GeneReviews).

NM_007375.4(TARDBP):c.943G>A (p.Ala315Thr)

Gene: TARDBP (TAR DNA binding protein; plus strand). Cytogenetic location: 1p36.22.
Variant type: single nucleotide variant.
Coding change: c.943G>A on transcript NM_007375.4 (MANE Select); coding-DNA position 943, G replaced by A.
Protein change: p.Ala315Thr; replaces alanine 315 with threonine.
Molecular consequence: missense variant.
Genome position (GRCh38, 1-based): chr1:11,022,352, G>A. VCF-style: chr1-11022352-G-A. GRCh37 (hg19) VCF-style: chr1-11082409-G-A.
Other names: A315T.
Identifiers: ClinVar variation 5236 (VCV000005236.31), dbSNP rs80356726, ClinGen allele CA340381.